The following is an entry in ClinVar:

NM_000540.3(RYR1):c.7060G>A (p.Val2354Met)

Gene: RYR1 (ryanodine receptor 1; plus strand). Cytogenetic location: 19q13.2.
Variant type: single nucleotide variant.
Coding change: c.7060G>A on transcript NM_000540.3 (MANE Select); coding-DNA position 7060, G replaced by A.
Protein change: p.Val2354Met; replaces valine 2354 with methionine.
Molecular consequence: missense variant.
Genome position (GRCh38, 1-based): chr19:38,499,667, G>A. VCF-style: chr19-38499667-G-A. GRCh37 (hg19) VCF-style: chr19-38990307-G-A.
Other names: c.7060G>A (NM_000540.2); c.7060G>A, p.Val2354Met (NM_001042723.2); short protein forms V2354M.
Identifiers: ClinVar variation 590580 (VCV000590580.14), dbSNP rs746971794, ClinGen allele CA082317.

ClinVar aggregate classification (germline): Pathogenic. Review status: reviewed by expert panel (3 of 4 stars). 6 submissions from 6 submitters: Pathogenic (1). 5 of the submissions do not count toward it. Last evaluated 2026-04-10.

Conditions:
RYR1-related disorder. Also called: RYR1-related disorders; RYR1-related condition. Identifiers: MedGen CN239331.
Malignant hyperthermia, susceptibility to, 1 (MHS1). Also called: Malignant hyperthermia suceptibility 1; RYR1-Related Malignant Hyperthermia Susceptibility; Anesthesia related hyperthermia; Malignant hyperpyrexia; Fulminating hyperpyrexia; Pharmacogenic myopathy. Identifiers: Orphanet 423, MedGen C2930980, MONDO:0007783, OMIM 145600.

gnomAD v4.1: 1 of 1,599,346 alleles (0.000063%); highest among the groups gnomAD compares: Non-Finnish European, 0.000085%; no homozygotes.

Submissions (6):

ClinGen Malignant Hyperthermia Susceptibility Variant Curation Expert Panel, ClinGen
Classification: Pathogenic for Malignant hyperthermia, susceptibility to, 1. Last evaluated: 2026-04-10. Review status: reviewed by expert panel. Criteria: ClinGen MHS ACMG Specifications V2. Collection method: curation. Allele origin: germline. Inheritance: Autosomal dominant inheritance.
Comment: This pathogenicity assessment is relevant only for malignant hyperthermia susceptibility (MHS) inherited in an autosomal dominant pattern. Variants in RYR1 can also cause other myopathies inherited in an autosomal dominant pattern or in an autosomal recessive pattern. Some of these disorders may predispose individuals to malignant hyperthermia. RYR1 variants may also contribute to a malignant hyperthermia reaction in combination with other genetic and non-genetic factors and the clinician needs to consider such factors in making management decisions. This sequence variant predicts a substitution of valine with methionine at codon 2354 of the RYR1 protein, p.(Val2354Met). This variant was not present in a large population database (gnomAD) at the time this variant was classified. This variant has been reported in two unrelated individuals who had a personal or family history of a malignant hyperthermia reaction; both of these individuals had a positive in vitro contracture test (IVCT) or caffeine halothane contracture test (CHCT) result (if the proband was unavailable for testing, a positive diagnostic test result in a variant-positive relative was counted), PS4_Moderate (PMID:23558838, PMID:24361844). This variant segregates with MHS in six individuals PP1_Moderate (PMID:41339169). An ex vivo functional study on lymphoblasts from a single family was published for this variant showing a decreased EC50 for 4-CmC, however, multiple unrelated samples are required to fulfil PS3 for ex vivo studies (PMID:2461844). In addition, functional studies in HEK293 cells showed an increased sensitivity to RYR1 agonists, PS3_Moderate (PMID:41339169). This variant resides in a region of RYR1 considered to be a hotspot for pathogenic variants that contribute to MHS, PM1 (PMID: 21118704). A REVEL score >0.85 (0.867) supports a pathogenic status for this variant, PP3_Moderate. Based on using Bayes to combine criteria this variant is assessed as Pathogenic, (PMID: 29300386). Criteria implemented: PS3_Moderate, PS4_Moderate, PM1, PP1_Moderate, PP3_Moderate.

PreventionGenetics, part of Exact Sciences
Classification: Likely pathogenic for Malignant hyperthermia, susceptibility to, 1. Last evaluated: 2026-01-15. Review status: criteria provided, single submitter. Criteria: ACMG Guidelines, 2015. Collection method: clinical testing. Allele origin: germline. Not counted in ClinVar's aggregate classification.
Comment: This variant has been reported in an individual as well as in multiple members of an unrelated family with a contracture test result consistent with malignant hyperthermia susceptibility (Brandom et al. 2013. PubMed ID: 23558838; Schiemann et al. 2014. PubMed ID: 24361844). In vitro studies support pathogenicity by demonstrating this variant impacts calcium release in various cell lines (Schiemann et al. 2026. PubMed ID: 41339169). This variant has not been reported in a large population database (gnomAD), indicating it is rare. The p.Val2354 residue resides in the RYR1 central domain (amino acids 2163-2458), which is considered a hot spot for disease causing variants (Witherspoon and Meilleur. 2016. PubMed ID: 27855725). This variant has been classified as likely pathogenic by the ClinGen Malignant Hyperthermia Susceptibility Variant Curation Expert Panel (Variation ID: 590580). Given the evidence, this variant is interpreted as likely pathogenic for malignant hyperthermia susceptibility.

Color Diagnostics, LLC DBA Color Health
Classification: Likely pathogenic for Malignant hyperthermia, susceptibility to, 1. Last evaluated: 2025-06-09. Review status: criteria provided, single submitter. Criteria: ACMG Guidelines, 2015. Collection method: clinical testing. Allele origin: germline. Not counted in ClinVar's aggregate classification.
Comment: This missense variant replaces valine with methionine at codon 2354 of the RYR1 protein. Computational prediction suggests that this variant may have deleterious impact on protein structure and function. This variant occurs in a region of RYR1 considered to be a hotspot for pathogenic variants that contribute to malignant hyperthermia susceptibility (PMID: 21118704). This variant has been reported in two families affected with malignant hyperthermia susceptibility (PMID: 23558838, 24361844, 24361844). It has been shown that this variant segregates with malignant hyperthermia susceptibility in five individuals of one family (PMID: 24361844). This variant has not been identified in the general population by the Genome Aggregation Database (gnomAD). Based on the available evidence, this variant is classified as Likely Pathogenic.

Labcorp Genetics (formerly Invitae), Labcorp
Classification: Pathogenic for RYR1-related disorder. Last evaluated: 2024-03-03. Review status: criteria provided, single submitter. Criteria: Invitae Variant Classification Sherloc (09022015). Collection method: clinical testing. Allele origin: germline. Not counted in ClinVar's aggregate classification.
Comment: This sequence change replaces valine, which is neutral and non-polar, with methionine, which is neutral and non-polar, at codon 2354 of the RYR1 protein (p.Val2354Met). This variant is not present in population databases (gnomAD no frequency). This missense change has been observed in individual(s) with malignant hyperthermia susceptibility (PMID: 23558838, 24361844). It has also been observed to segregate with disease in related individuals. ClinVar contains an entry for this variant (Variation ID: 590580). Advanced modeling of protein sequence and biophysical properties (such as structural, functional, and spatial information, amino acid conservation, physicochemical variation, residue mobility, and thermodynamic stability) performed at Invitae indicates that this missense variant is expected to disrupt RYR1 protein function with a positive predictive value of 95%. For these reasons, this variant has been classified as Pathogenic.

All of Us Research Program, National Institutes of Health
Classification: Likely pathogenic for Malignant hyperthermia, susceptibility to, 1. Last evaluated: 2023-07-19. Review status: criteria provided, single submitter. Criteria: ACMG Guidelines, 2015. Collection method: clinical testing. Allele origin: germline. Inheritance: Autosomal dominant inheritance. Observed: 1 variant allele, 1 heterozygote. Not counted in ClinVar's aggregate classification.
Comment: This missense variant replaces valine with methionine at codon 2354 of the RYR1 protein. Computational prediction suggests that this variant may have deleterious impact on protein structure and function (internally defined REVEL score threshold >= 0.7, PMID: 27666373). A functional study in patient-derived lymphoblastoid has shown that this variant increases sensitivity to 4-CmC, compared to cells expressing only wild-type RYR1 (PMID: 24361844). This variant occurs in a region of RYR1 considered to be a hotspot for pathogenic variants that contribute to malignant hyperthermia susceptibility (PMID: 21118704). This variant has been reported in two families affected with malignant hyperthermia susceptibility (PMID: 23558838, 24361844, 24361844). It has been shown that this variant segregates with malignant hyperthermia susceptibility in five individuals of one family (PMID: 24361844). This variant has not been identified in the general population by the Genome Aggregation Database (gnomAD). Based on the available evidence, this variant is classified as Likely Pathogenic.

This study involves interpretation of variants in research participants for the purpose of population health screening. Participant phenotype was not available at the time of variant classification. Additional details can be found in publication PMID: 35346344, PMCID: PMC8962531

Human Genome Sequencing Center Clinical Lab, Baylor College of Medicine
Classification: Likely pathogenic for Malignant hyperthermia suceptibility 1. Last evaluated: 2020-02-20. Review status: criteria provided, single submitter. Criteria: ACMG Guidelines, 2015. Collection method: clinical testing. Allele origin: germline. Not counted in ClinVar's aggregate classification.
Comment: The c.7060G>A (p.Val2354Met) variant in RYR1 has been reported in a patient who developed malignant hyperthermia after receiving general anesthesia with succinylcholine (PMID: 23558838). In addition, in vitro measurement of contracture response in an individual harboring this RYR1 variant who exhibited masseter muscle rigidity was abnormal for both caffeine and halothane, consistent with malignant hyperthermia susceptibility (PMID: 30864471). This missense variant is located in an RYR1 hotspot where most mutations linked to MH are clustered (PMID: 16084090). This variant is not present in populations databases (gnomAD) and in-silico predictions suggest it is deleterious. Therefore the c.7060G>A (p.Val2354Met) RYR1 variant is considered likely pathogenic.

Literature cited by the submitters: PubMed 21118704 (cited by Color Diagnostics, LLC DBA Color Health and All of Us Research Program, National Institutes of Health); PubMed 23558838 (cited by 3 submitters); PubMed 24361844 (cited by 3 submitters).